The following is an entry in ClinVar:

ClinVar aggregate classification (germline): Benign (1 of 4 stars; one submission).

Conditions:
Ehlers-Danlos syndrome, type 4 (EDSVASC). Also called: Ehlers-Danlos syndrome vascular type; Ehlers Danlos syndrome, ecchymotic type; Ehlers Danlos syndrome, arterial type; Ehlers Danlos syndrome, Sack-Barabas type; Ehlers-Danlos Syndrome Type IV. Identifiers: Orphanet 286, MedGen C0268338, MONDO:0017314, OMIM 130050.

Allele frequency attached by ClinVar (database versions not stated): 1000 Genomes Project 30x 0.00031; gnomAD 0.00063 and 0.00069; TOPMed 0.00108; gnomAD exomes 0.00006; 1000 Genomes Project 0.00040.

Submission:

Illumina Laboratory Services, Illumina
Classification: Benign for Ehlers-Danlos syndrome, type 4. Last evaluated: 2018-01-12. Review status: criteria provided, single submitter. Criteria: ICSL Variant Classification Criteria 13 December 2019. Collection method: clinical testing. Allele origin: germline.
Comment: This variant was observed in the ICSL laboratory as part of a predisposition screen in an ostensibly healthy population. It had not been previously curated by ICSL or reported in the Human Gene Mutation Database (HGMD: prior to June 1st, 2018), and was therefore a candidate for classification through an automated scoring system. Utilizing variant allele frequency, disease prevalence and penetrance estimates, and inheritance mode, an automated score was calculated to assess if this variant is too frequent to cause the disease. Based on the score and internal cut-off values, a variant classified as benign is not then subjected to further curation. The score for this variant resulted in a classification of benign for this disease.

NM_000090.3(COL3A1):c.-118T>G

Gene: COL3A1 (collagen type III alpha 1 chain; plus strand). Cytogenetic location: 2q32.2.
Variant type: single nucleotide variant.
Coding change: c.-118T>G on transcript NM_000090.3; 118 bases upstream of the start codon, T replaced by G.
Genome position (GRCh38, 1-based): chr2:188,974,372, T>G. VCF-style: chr2-188974372-T-G. GRCh37 (hg19) VCF-style: chr2-189839098-T-G.
Identifiers: ClinVar variation 894871 (VCV000894871.6), dbSNP rs549951495, ClinGen allele CA62576937.